The following is an entry in ClinVar:

NM_007078.3(LDB3):c.35C>T (p.Pro12Leu)

Gene: LDB3 (LIM domain binding 3; plus strand). Cytogenetic location: 10q23.2.
Variant type: single nucleotide variant.
Coding change: c.35C>T on transcript NM_007078.3 (MANE Select); coding-DNA position 35, C replaced by T.
Protein change: p.Pro12Leu; replaces proline 12 with leucine.
Molecular consequence: missense variant.
Genome position (GRCh38, 1-based): chr10:86,668,726, C>T. VCF-style: chr10-86668726-C-T. GRCh37 (hg19) VCF-style: chr10-88428483-C-T.
Other names: c.35C>T, p.Pro12Leu (NM_001080114.2, NM_001080115.2, NM_001080116.1 and 8 more transcripts); short protein forms P12L.
Identifiers: ClinVar variation 3225985 (VCV003225985.1), dbSNP rs2492473876, ClinGen allele CA377448723.

ClinVar aggregate classification (germline): Uncertain significance (1 of 4 stars; one submission).

Conditions:
Cardiovascular phenotype. Identifiers: MedGen CN230736.

Allele frequency attached by ClinVar (database versions not stated): gnomAD exomes 0.00001.

Submission:

Ambry Genetics
Classification: Uncertain significance for Cardiovascular phenotype. Last evaluated: 2024-03-05. Review status: criteria provided, single submitter. Criteria: Ambry Variant Classification Scheme 2023. Collection method: clinical testing. Allele origin: germline.
Comment: The p.P12L variant (also known as c.35C>T), located in coding exon 1 of the LDB3 gene, results from a C to T substitution at nucleotide position 35. The proline at codon 12 is replaced by leucine, an amino acid with similar properties. This amino acid position is conserved. In addition, this alteration is predicted to be deleterious by in silico analysis. Based on the available evidence, the clinical significance of this alteration remains unclear.